The following is an entry in ClinVar:

ClinVar aggregate classification (germline): Uncertain significance (1 of 4 stars; one submission).

Submission:

Dasa
Classification: Uncertain significance. Last evaluated: 2026-02-04. Review status: criteria provided, single submitter. Criteria: DASA Assertion Criteria. Collection method: clinical testing. Allele origin: germline.
Comment: NM_018082.6(POLR3B):c.3377T>G (p.Leu1126*) is a nonsense variant in POLR3B predicted to introduce a premature termination codon. This variant is rare in population databases. The currently available literature and clinical evidence are not sufficient to establish a definitive association between this variant and the reported condition. Therefore, this variant is classified as a variant of uncertain significance.

NM_018082.6(POLR3B):c.3377T>G (p.Leu1126Ter)

Genes: RFX4-AS1 (RFX4 antisense RNA 1; minus strand), POLR3B (RNA polymerase III subunit B; plus strand). Cytogenetic location: 12q23.3.
Variant type: single nucleotide variant.
Coding change: c.3377T>G on transcript NM_018082.6 (MANE Select); coding-DNA position 3377, T replaced by G.
Protein change: p.Leu1126Ter; replaces leucine 1126 with a stop codon.
Molecular consequence: nonsense.
Genome position (GRCh38, 1-based): chr12:106,509,524, T>G. VCF-style: chr12-106509524-T-G. GRCh37 (hg19) VCF-style: chr12-106903302-T-G.
Other names: c.3203T>G, p.Leu1068Ter (NM_001160708.2); short protein forms L1068*, L1126*.
Identifiers: ClinVar variation 4885745 (VCV004885745.2).
Genomic context (GRCh38, chr12:106,509,524, plus strand): 5'-TTCCGTATGCCTGCAAGCTGCTCTTCCAGGAACTACAGTCTATGAACATCATCCCCAGGT[T>G]AAAACTGTCCAAGTACAATGAATGAGGATGGAAAAAATGATTATTAAAGAGAACAAGTGA-3'